The following is an entry in ClinVar:

ClinVar aggregate classification (germline): Likely pathogenic (1 of 4 stars; one submission).

Conditions:
Ehlers-Danlos syndrome, classic type, 1 (EDSCL1). Also called: EHLERS-DANLOS SYNDROME, GRAVIS TYPE; EHLERS-DANLOS SYNDROME, SEVERE CLASSIC TYPE; Ehlers-Danlos syndrome, type 1; Ehlers-Danlos Syndrome, Classic Type, COL5A1-Related; EDS I. Identifiers: MedGen C0268335, MONDO:0019567, OMIM 130000.

Submission:

Labcorp Genetics (formerly Invitae), Labcorp
Classification: Likely pathogenic for Ehlers-Danlos syndrome, classic type, 1. Last evaluated: 2020-11-04. Review status: criteria provided, single submitter. Criteria: Invitae Variant Classification Sherloc (09022015). Collection method: clinical testing. Allele origin: germline.
Comment: In summary, the currently available evidence indicates that the variant is pathogenic, but additional data are needed to prove that conclusively. Therefore, this variant has been classified as Likely Pathogenic. Studies have shown that disruption of this splice site is associated with skipping of exon 7 and skipping of exons 6 and 7 but is expected to preserve the integrity of the reading frame (PMID: 21611149). Disruption of this splice site has been observed in individual(s) with clinical features of Ehlers-Danlos syndrome (PMID: 21611149, 22696272). This variant is not present in population databases (ExAC no frequency). This sequence change affects an acceptor splice site in intron 6 of the COL5A1 gene. RNA analysis indicates that disruption of this splice site induces altered splicing and likely results in a shortened protein product.

Literature cited by the submitters: PubMed 21611149; PubMed 22696272.

NM_000093.5(COL5A1):c.925-2A>C

Gene: COL5A1 (collagen type V alpha 1 chain; plus strand). Cytogenetic location: 9q34.3.
Variant type: single nucleotide variant.
Coding change: c.925-2A>C on transcript NM_000093.5 (MANE Select); the canonical splice acceptor site of the intron before coding-DNA position 925, A replaced by C.
Molecular consequence: splice acceptor variant.
Genome position (GRCh38, 1-based): chr9:134,730,234, A>C. VCF-style: chr9-134730234-A-C. GRCh37 (hg19) VCF-style: chr9-137622080-A-C.
Other names: c.925-2A>C (NM_001278074.1).
Identifiers: ClinVar variation 1500126 (VCV001500126.8), dbSNP rs2132639011, ClinGen allele CA375448931.